The following is an entry in ClinVar:

NM_006031.6(PCNT):c.3579C>T (p.Asp1193=)

Gene: PCNT (pericentrin; plus strand). Cytogenetic location: 21q22.3.
Variant type: single nucleotide variant.
Coding change: c.3579C>T on transcript NM_006031.6 (MANE Select); coding-DNA position 3579, C replaced by T.
Protein change: p.Asp1193=; no amino-acid change (aspartic acid 1193 retained).
Molecular consequence: synonymous variant.
Genome position (GRCh38, 1-based): chr21:46,388,856, C>T. VCF-style: chr21-46388856-C-T. GRCh37 (hg19) VCF-style: chr21-47808771-C-T.
Other names: c.3579C>T (NM_006031.5); c.3225C>T, p.Asp1075= (NM_001315529.2).
Identifiers: ClinVar variation 2896707 (VCV002896707.5), dbSNP rs141834183, ClinGen allele CA10079356.

ClinVar aggregate classification (germline): Likely benign. Review status: criteria provided, single submitter (1 of 4 stars). 2 submissions from 2 submitters: Likely benign (1). 1 of the submissions does not count toward it. Last evaluated 2025-07-09.

Conditions:
PCNT-related disorder. Also called: PCNT-related condition.

Allele frequency attached by ClinVar (database versions not stated): ExAC 0.00001; gnomAD exomes 0.00002; gnomAD 0.00004; TOPMed 0.00007; ESP Exome Variant Server 0.00008.
gnomAD v4.1: 30 of 1,608,980 alleles (0.0019%); highest among the groups gnomAD compares: Admixed American, 0.0067%; no homozygotes.

Submissions (2):

Labcorp Genetics (formerly Invitae), Labcorp
Classification: Likely benign. Last evaluated: 2025-07-09. Review status: criteria provided, single submitter. Criteria: Invitae Variant Classification Sherloc (09022015). Collection method: clinical testing. Allele origin: germline.

PreventionGenetics, part of Exact Sciences
Classification: Likely benign for PCNT-related condition. Last evaluated: 2022-04-11. Review status: no assertion criteria provided. Collection method: clinical testing. Allele origin: germline. Not counted in ClinVar's aggregate classification.
Comment: This variant is classified as likely benign based on ACMG/AMP sequence variant interpretation guidelines (Richards et al. 2015 PMID: 25741868, with internal and published modifications).